The following is an entry in ClinVar:

NC_000017.10:g.(?_34842544)_(34863351_?)dup

Genes: MYO19 (myosin XIX; minus strand), ZNHIT3 (zinc finger HIT-type containing 3; plus strand). Cytogenetic location: 17q12.
Variant type: Duplication.
Identifiers: ClinVar variation 1062604 (VCV001062604.1).

ClinVar aggregate classification (germline): Uncertain significance (1 of 4 stars; one submission).

Submission:

Labcorp Genetics (formerly Invitae), Labcorp
Classification: Uncertain significance. Last evaluated: 2018-06-21. Review status: criteria provided, single submitter. Criteria: Invitae Variant Classification Sherloc (09022015). Collection method: clinical testing. Allele origin: germline.
Comment: A gross duplication of the genomic region encompassing the full coding sequence of the ZNHIT3 gene has been identified. The boundaries of this event are unknown as the duplication extends beyond the assayed region for this gene and therefore may encompass additional genes. As the precise location of this duplication is unknown, it may be in tandem or it may be located elsewhere in the genome. This variant has not been reported in the literature in individuals with ZNHIT3-related disease. In summary, the available evidence is currently insufficient to determine the role of this variant in disease. Therefore, it has been classified as a Variant of Uncertain Significance.